The following is an entry in ClinVar:

ClinVar aggregate classification (germline): Uncertain significance (1 of 4 stars; one submission).

Conditions:
Early-infantile DEE. Also called: Early infantile epileptic encephalopathy; Early infantile epileptic encephalopathy with suppression bursts; Ohtahara syndrome. Identifiers: Orphanet 1934, MedGen C0393706, MONDO:0800491.

Allele frequency attached by ClinVar (database versions not stated): ExAC 0.00001; gnomAD exomes 0.00001.
gnomAD v4.1: 2 of 1,612,592 alleles (0.00012%); highest among the groups gnomAD compares: East Asian, 0.0045%; no homozygotes.

Submission:

Labcorp Genetics (formerly Invitae), Labcorp
Classification: Uncertain significance for Early-infantile DEE. Last evaluated: 2016-09-20. Review status: criteria provided, single submitter. Criteria: Invitae Variant Classification Sherloc (09022015). Collection method: clinical testing. Allele origin: germline.
Comment: In summary, this variant is a rare missense change that is not predicted to affect protein function. There is no indication that it causes disease, but the available evidence is currently insufficient to prove that conclusively. Therefore, it has been classified as a Variant of Uncertain Significance. Algorithms developed to predict the effect of missense changes on protein structure and function output the following: (SIFT: "Tolerated"; PolyPhen-2: "Benign"; Align-GVGD: "Class C0"). The serine amino acid residue is also found in multiple mammalian species, suggesting that this missense change does not adversely affect protein function. These predictions have not been confirmed by published functional studies. This variant is present in population databases (rs777386001, ExAC 0.01%) but has not been reported in the literature in individuals with a SCN1A-related disease. This sequence change replaces alanine with serine at codon 285 of the SCN1A protein (p.Ala285Ser). The alanine residue is highly conserved and there is a moderate physicochemical difference between alanine and serine.

NM_001165963.4(SCN1A):c.853G>T (p.Ala285Ser)

Gene: SCN1A (sodium voltage-gated channel alpha subunit 1; minus strand). Cytogenetic location: 2q24.3.
Variant type: single nucleotide variant.
Coding change: c.853G>T on transcript NM_001165963.4 (MANE Select); coding-DNA position 853, G replaced by T.
Protein change: p.Ala285Ser; replaces alanine 285 with serine.
Molecular consequence: missense variant. On other transcripts: 5 prime UTR variant (1), non-coding transcript variant (1).
Genome position (GRCh38, 1-based): chr2:166,051,830, C>A on the plus strand (G>T on the coding strand, the complement: SCN1A is on the minus strand). VCF-style: chr2-166051830-C-A. GRCh37 (hg19) VCF-style: chr2-166908340-C-A.
Other names: c.853G>T, p.Ala285Ser (NM_001165964.3, NM_001202435.3, NM_001353948.2 and 10 more transcripts); c.-1573G>T (NM_001353961.2); short protein forms A285S.
Identifiers: ClinVar variation 408932 (VCV000408932.10), dbSNP rs777386001, ClinGen allele CA1943430.